The following is an entry in ClinVar:

ClinVar aggregate classification (germline): Conflicting classifications of pathogenicity. Review status: criteria provided, conflicting classifications (1 of 4 stars). 3 submissions from 3 submitters: Uncertain significance (1); Likely benign (1). 1 of the submissions does not count toward it. Last evaluated 2023-11-15.

Conditions:
CUBN-related disorder. Also called: CUBN-related condition.
Imerslund-Grasbeck syndrome type 1 (IGS1). Also called: Megaloblastic anemia 1, Finnish type; Imerslund-Gräsbeck syndrome 1; MEGALOBLASTIC ANEMIA, 1. Identifiers: MedGen C4016819, MONDO:0100156, OMIM 261100.
Imerslund-Grasbeck syndrome. Also called: ENTEROCYTE COBALAMIN MALABSORPTION; ENTEROCYTE INTRINSIC FACTOR RECEPTOR, DEFECT OF; Imerslund-Gräsbeck syndrome; Megaloblastic anemia due to inborn errors of metabolism; PERNICIOUS ANEMIA, JUVENILE, DUE TO SELECTIVE INTESTINAL MALABSORPTION OF VITAMIN B12, WITH PROTEINURIA. Identifiers: Orphanet 35858, MedGen C4551825, MONDO:0009853.

Allele frequency attached by ClinVar (database versions not stated): ExAC 0.00003; gnomAD exomes 0.00007 and 0.00004; gnomAD 0.00006; ESP Exome Variant Server 0.00008; TOPMed 0.00005.
gnomAD v4.1: 110 of 1,601,080 alleles (0.0069%); highest among the groups gnomAD compares: Non-Finnish European, 0.009%; no homozygotes.

Submissions (3):

Labcorp Genetics (formerly Invitae), Labcorp
Classification: Likely benign for Imerslund-Grasbeck syndrome. Last evaluated: 2023-11-15. Review status: criteria provided, single submitter. Criteria: Invitae Variant Classification Sherloc (09022015). Collection method: clinical testing. Allele origin: germline.

Illumina Laboratory Services, Illumina
Classification: Uncertain significance for Imerslund-Grasbeck syndrome type 1. Last evaluated: 2018-01-12. Review status: criteria provided, single submitter. Criteria: ICSL Variant Classification Criteria 13 December 2019. Collection method: clinical testing. Allele origin: germline.

PreventionGenetics, part of Exact Sciences
Classification: Likely benign for CUBN-related condition. Last evaluated: 2024-01-12. Review status: no assertion criteria provided. Collection method: clinical testing. Allele origin: germline. Not counted in ClinVar's aggregate classification.
Comment: This variant is classified as likely benign based on ACMG/AMP sequence variant interpretation guidelines (Richards et al. 2015 PMID: 25741868, with internal and published modifications).

NM_001081.4(CUBN):c.348+10A>G

Gene: CUBN (cubilin; minus strand). Cytogenetic location: 10p13.
Variant type: single nucleotide variant.
Coding change: c.348+10A>G on transcript NM_001081.4 (MANE Select); 10 bases into the intron after coding-DNA position 348, A replaced by G.
Molecular consequence: intron variant.
Genome position (GRCh38, 1-based): chr10:17,127,819, T>C on the plus strand (A>G on the coding strand, the complement: CUBN is on the minus strand). VCF-style: chr10-17127819-T-C. GRCh37 (hg19) VCF-style: chr10-17169818-T-C.
Identifiers: ClinVar variation 879300 (VCV000879300.17), dbSNP rs373954000, ClinGen allele CA5425724.